The following is an entry in ClinVar:

NM_001367873.1(SOX6):c.1367T>C (p.Val456Ala)

Gene: SOX6 (SRY-box transcription factor 6; minus strand). Cytogenetic location: 11p15.2.
Variant type: single nucleotide variant.
Coding change: c.1367T>C on transcript NM_001367873.1 (MANE Select); coding-DNA position 1367, T replaced by C.
Protein change: p.Val456Ala; replaces valine 456 with alanine.
Molecular consequence: missense variant.
Genome position (GRCh38, 1-based): chr11:16,049,823, A>G on the plus strand (T>C on the coding strand, the complement: SOX6 is on the minus strand). VCF-style: chr11-16049823-A-G. GRCh37 (hg19) VCF-style: chr11-16071369-A-G.
Other names: c.1244T>C, p.Val415Ala (NM_001145811.2, NM_001367872.1, NM_017508.3); c.1367T>C, p.Val456Ala (NM_001145819.2, NM_033326.3); short protein forms V415A, V456A.
Identifiers: ClinVar variation 3341426 (VCV003341426.1).

ClinVar aggregate classification (germline): Uncertain significance (1 of 4 stars; one submission).

Conditions:
Tolchin-Le Caignec syndrome. Also called: INTELLECTUAL DEVELOPMENTAL DISORDER WITH BEHAVIORAL ABNORMALITIES AND VARIABLE BONE DEFECTS. Identifiers: MedGen C5436509, MONDO:0033544, OMIM 618971.

gnomAD v4.1: 2 of 1,612,872 alleles (0.00012%); highest among the groups gnomAD compares: South Asian, 0.0022%; no homozygotes.

Submission:

Neuberg Centre For Genomic Medicine, NCGM
Classification: Uncertain significance for Tolchin-Le Caignec syndrome. Last evaluated: 2023-05-20. Review status: criteria provided, single submitter. Criteria: ACMG Guidelines, 2015. Collection method: clinical testing. Allele origin: germline. Inheritance: Autosomal dominant inheritance. Affected: yes.
Comment: The observed missense c.1367T>C(p.Val456Ala) variant in SOX6 gene has not been reported previously as a pathogenic variant nor a benign variant, to our knowledge. The p.Val456Ala variant is absent in gnomAD Exomes. This variant has not been submitted to the ClinVar database. Multiple lines of computational evidence (Polyphen - Benign, SIFT - Tolerated and MutationTaster - Disease causing) predict conflicting evidence on protein structure and function for this variant. The amino acid change p.Val456Ala in SOX6 is predicted as conserved by GERP++ and PhyloP across 100 vertebrates. The amino acid Val at position 456 is changed to a Ala changing protein sequence and it might alter its composition and physico-chemical properties. For these reasons, this variant has been classified as a Variant of Uncertain Significance (VUS).